The following is an entry in ClinVar:

NM_005188.4(CBL):c.1287C>T (p.Ile429=)

Gene: CBL (Cbl proto-oncogene; plus strand). Cytogenetic location: 11q23.3.
Variant type: single nucleotide variant.
Coding change: c.1287C>T on transcript NM_005188.4 (MANE Select); coding-DNA position 1287, C replaced by T.
Protein change: p.Ile429=; no amino-acid change (isoleucine 429 retained).
Molecular consequence: synonymous variant.
Genome position (GRCh38, 1-based): chr11:119,278,569, C>T. VCF-style: chr11-119278569-C-T. GRCh37 (hg19) VCF-style: chr11-119149279-C-T.
Other names: p.I429I:ATC>ATT.
Identifiers: ClinVar variation 136663 (VCV000136663.52), dbSNP rs148368481, ClinGen allele CA289964.

ClinVar aggregate classification (germline): Benign/Likely benign. Review status: criteria provided, multiple submitters, no conflicts (2 of 4 stars). 11 submissions from 11 submitters: Benign (2); Likely benign (8). 1 of the submissions does not count toward it. Last evaluated 2026-03-01.

Conditions:
Noonan syndrome and Noonan-related syndrome. Identifiers: Orphanet 98733, MedGen C5681679, MONDO:0020297.
CBL-related disorder. Also called: NOONAN SYNDROME-LIKE DISORDER WITHOUT JUVENILE MYELOMONOCYTIC LEUKEMIA; CBL MUTATION-ASSOCIATED SYNDROME; CBL SYNDROME. Identifiers: Orphanet 363972, MedGen C3150803, MONDO:0013308, OMIM 613563.
Cardiovascular phenotype. Identifiers: MedGen CN230736.
RASopathy. Also called: Noonan spectrum disorder; rasopathies. Identifiers: Orphanet 536391, MedGen C5555857, MONDO:0021060.

Allele frequency attached by ClinVar (database versions not stated): TOPMed 0.00020; ESP Exome Variant Server 0.00023; gnomAD 0.00028 and 0.00031.
gnomAD v4.1: 384 of 1,614,122 alleles (0.024%); highest among the groups gnomAD compares: Non-Finnish European, 0.028%; no homozygotes.

Submissions (11):

CeGaT Center for Human Genetics Tuebingen
Classification: Likely benign. Last evaluated: 2026-03-01. Review status: criteria provided, single submitter. Criteria: CeGaT Center For Human Genetics Tuebingen Variant Classification Criteria Version 2. Collection method: clinical testing. Allele origin: germline. Affected: yes. Observed: 8 variant alleles.
Comment: CBL: BP4, BP7

Labcorp Genetics (formerly Invitae), Labcorp
Classification: Likely benign for RASopathy. Last evaluated: 2026-01-27. Review status: criteria provided, single submitter. Criteria: Invitae Variant Classification Sherloc (09022015). Collection method: clinical testing. Allele origin: germline.

Blueprint Genetics
Classification: Likely benign. Last evaluated: 2024-11-11. Review status: criteria provided, single submitter. Criteria: ACMG Guidelines, 2015. Collection method: clinical testing. Allele origin: germline.

Ambry Genetics
Classification: Likely benign for Cardiovascular phenotype. Last evaluated: 2022-03-03. Review status: criteria provided, single submitter. Criteria: Ambry Variant Classification Scheme 2023. Collection method: clinical testing. Allele origin: germline.

Women's Health and Genetics/Laboratory Corporation of America, LabCorp
Classification: Likely benign. Last evaluated: 2021-07-26. Review status: criteria provided, single submitter. Criteria: LabCorp Variant Classification Summary - May 2015. Collection method: clinical testing. Allele origin: germline.

Genetic Services Laboratory, University of Chicago
Classification: Likely benign. Last evaluated: 2020-05-05. Review status: criteria provided, single submitter. Criteria: ACMG Guidelines, 2015. Collection method: clinical testing. Allele origin: germline. Affected: no.

Mendelics
Classification: Likely benign for CBL-related disorder. Last evaluated: 2019-05-28. Review status: criteria provided, single submitter. Criteria: Mendelics Assertion Criteria 2017. Collection method: clinical testing. Allele origin: unknown.

Genome Diagnostics Laboratory, The Hospital for Sick Children
Classification: Benign for Noonan syndrome and Noonan-related syndrome. Last evaluated: 2018-08-01. Review status: criteria provided, single submitter. Criteria: ACMG Guidelines, 2015. Collection method: clinical testing. Allele origin: germline.

Illumina Laboratory Services, Illumina
Classification: Likely benign for CBL-related disorder. Last evaluated: 2017-04-28. Review status: criteria provided, single submitter. Criteria: ICSL Variant Classification Criteria 13 December 2019. Collection method: clinical testing. Allele origin: germline.
Comment: This variant was observed as part of a predisposition screen in an ostensibly healthy population. A literature search was performed for the gene, cDNA change, and amino acid change (where applicable). No publications were found based on this search. Allele frequency data from public databases allowed determination this variant is unlikely to cause disease. Therefore, this variant is classified as likely benign.

GeneDx
Classification: Benign. Last evaluated: 2013-05-13. Review status: criteria provided, single submitter. Criteria: GeneDx Variant Classification (06012015). Collection method: clinical testing. Allele origin: germline. Affected: yes.
Comment: This variant is considered likely benign or benign based on one or more of the following criteria: it is a conservative change, it occurs at a poorly conserved position in the protein, it is predicted to be benign by multiple in silico algorithms, and/or has population frequency not consistent with disease.

PreventionGenetics, part of Exact Sciences
Classification: Likely benign for CBL-related condition. Last evaluated: 2020-08-25. Review status: no assertion criteria provided. Collection method: clinical testing. Allele origin: germline. Not counted in ClinVar's aggregate classification.
Comment: This variant is classified as likely benign based on ACMG/AMP sequence variant interpretation guidelines (Richards et al. 2015 PMID: 25741868, with internal and published modifications).

Literature cited by the submitters: PubMed 25224413 (cited by Women's Health and Genetics/Laboratory Corporation of America, LabCorp); PubMed 21828135 (cited by Women's Health and Genetics/Laboratory Corporation of America, LabCorp); PubMed 23690417 (cited by Women's Health and Genetics/Laboratory Corporation of America, LabCorp); PubMed 19387008 (cited by Women's Health and Genetics/Laboratory Corporation of America, LabCorp); PubMed 19901108 (cited by Women's Health and Genetics/Laboratory Corporation of America, LabCorp); PubMed 20951944 (cited by Women's Health and Genetics/Laboratory Corporation of America, LabCorp); PubMed 19620960 (cited by Women's Health and Genetics/Laboratory Corporation of America, LabCorp); PubMed 22733026 (cited by Women's Health and Genetics/Laboratory Corporation of America, LabCorp); PubMed 29296819 (cited by Women's Health and Genetics/Laboratory Corporation of America, LabCorp); PubMed 27069254 (cited by Women's Health and Genetics/Laboratory Corporation of America, LabCorp).